The following is an entry in ClinVar:

ClinVar aggregate classification (germline): Uncertain significance. Review status: criteria provided, multiple submitters, no conflicts (2 of 4 stars). 3 submissions from 3 submitters: Uncertain significance (3). Last evaluated 2026-05-09.

Conditions:
HYOU1-related disorder. Also called: HYOU1-related condition.

Allele frequency attached by ClinVar (database versions not stated): gnomAD exomes 0.00002; ExAC 0.00009; gnomAD 0.00014 and 0.00016; TOPMed 0.00014; ESP Exome Variant Server 0.00038.

Submissions (3):

PreventionGenetics, part of Exact Sciences
Classification: Uncertain significance for HYOU1-related condition. Last evaluated: 2026-05-09. Review status: criteria provided, single submitter. Criteria: ACMG Guidelines, 2015. Collection method: clinical testing. Allele origin: germline.
Comment: The HYOU1 c.833G>A variant is predicted to result in the amino acid substitution p.Arg278Gln. To our knowledge, this variant has not been reported in the literature. This variant is reported in 0.056% of alleles in individuals of African descent in gnomAD. Although we suspect that this variant may be benign, at this time, the clinical significance of this variant is uncertain due to the absence of conclusive functional and genetic evidence.

Labcorp Genetics (formerly Invitae), Labcorp
Classification: Uncertain significance. Last evaluated: 2025-11-27. Review status: criteria provided, single submitter. Criteria: Invitae Variant Classification Sherloc (09022015). Collection method: clinical testing. Allele origin: germline.
Comment: This sequence change replaces arginine, which is basic and polar, with glutamine, which is neutral and polar, at codon 278 of the HYOU1 protein (p.Arg278Gln). This variant is present in population databases (rs148334358, gnomAD 0.05%). This variant has not been reported in the literature in individuals affected with HYOU1-related conditions. ClinVar contains an entry for this variant (Variation ID: 1039325). Experimental studies and prediction algorithms are not available or were not evaluated, and the functional significance of this variant is currently unknown. In summary, the available evidence is currently insufficient to determine the role of this variant in disease. Therefore, it has been classified as a Variant of Uncertain Significance.

Ambry Genetics
Classification: Uncertain significance. Last evaluated: 2025-06-17. Review status: criteria provided, single submitter. Criteria: Ambry Variant Classification Scheme 2023. Collection method: clinical testing. Allele origin: germline.

NM_006389.5(HYOU1):c.833G>A (p.Arg278Gln)

Gene: HYOU1 (hypoxia up-regulated 1; minus strand). Cytogenetic location: 11q23.3.
Variant type: single nucleotide variant.
Coding change: c.833G>A on transcript NM_006389.5 (MANE Select); coding-DNA position 833, G replaced by A.
Protein change: p.Arg278Gln; replaces arginine 278 with glutamine.
Molecular consequence: missense variant.
Genome position (GRCh38, 1-based): chr11:119,052,791, C>T on the plus strand (G>A on the coding strand, the complement: HYOU1 is on the minus strand). VCF-style: chr11-119052791-C-T. GRCh37 (hg19) VCF-style: chr11-118923503-C-T.
Other names: c.833G>A (NM_006389.3, NM_006389.4); c.833G>A, p.Arg278Gln (NM_001130991.3); short protein forms R278Q.
Identifiers: ClinVar variation 1039325 (VCV001039325.8), dbSNP rs148334358, ClinGen allele CA229623734.